The following is an entry in ClinVar:

NM_000522.5(HOXA13):c.566A>G (p.Asn189Ser)

Genes: HOXA13 (homeobox A13; minus strand), LOC107126288 (NUP98-HOXA13 recombination region; plus strand). Cytogenetic location: 7p15.2.
Variant type: single nucleotide variant.
Coding change: c.566A>G on transcript NM_000522.5 (MANE Select); coding-DNA position 566, A replaced by G.
Protein change: p.Asn189Ser; replaces asparagine 189 with serine.
Molecular consequence: missense variant.
Genome position (GRCh38, 1-based): chr7:27,199,512, T>C on the plus strand (A>G on the coding strand, the complement: HOXA13 is on the minus strand). VCF-style: chr7-27199512-T-C. GRCh37 (hg19) VCF-style: chr7-27239131-T-C.
Other names: short protein forms N189S.
Identifiers: ClinVar variation 3047699 (VCV003047699.4), dbSNP rs955353119, ClinGen allele CA155875417.

ClinVar aggregate classification (germline): Uncertain significance. Review status: criteria provided, multiple submitters, no conflicts (2 of 4 stars). 3 submissions from 3 submitters: Uncertain significance (2). 1 of the submissions does not count toward it. Last evaluated 2025-08-22.

Conditions:
HOXA13-related disorder. Also called: HOXA13-related condition.
Inborn genetic diseases. Identifiers: MedGen C0950123, MeSH D030342.

Allele frequency attached by ClinVar (database versions not stated): gnomAD 0.00001; gnomAD exomes 0.00002; TOPMed 0.00002.

Submissions (3):

Labcorp Genetics (formerly Invitae), Labcorp
Classification: Uncertain significance. Last evaluated: 2025-08-22. Review status: criteria provided, single submitter. Criteria: Invitae Variant Classification Sherloc (09022015). Collection method: clinical testing. Allele origin: germline.
Comment: This sequence change replaces asparagine, which is neutral and polar, with serine, which is neutral and polar, at codon 189 of the HOXA13 protein (p.Asn189Ser). This variant is present in population databases (no rsID available, gnomAD 0.001%). This variant has not been reported in the literature in individuals affected with HOXA13-related conditions. ClinVar contains an entry for this variant (Variation ID: 3047699). Invitae Evidence Modeling of protein sequence and biophysical properties (such as structural, functional, and spatial information, amino acid conservation, physicochemical variation, residue mobility, and thermodynamic stability) indicates that this missense variant is not expected to disrupt HOXA13 protein function with a negative predictive value of 80%. In summary, the available evidence is currently insufficient to determine the role of this variant in disease. Therefore, it has been classified as a Variant of Uncertain Significance.

Ambry Genetics
Classification: Uncertain significance for Inborn genetic diseases. Last evaluated: 2025-08-13. Review status: criteria provided, single submitter. Criteria: Ambry Variant Classification Scheme 2023. Collection method: clinical testing. Allele origin: germline.

PreventionGenetics, part of Exact Sciences
Classification: Uncertain significance for HOXA13-related condition. Last evaluated: 2023-10-18. Review status: no assertion criteria provided. Collection method: clinical testing. Allele origin: germline. Not counted in ClinVar's aggregate classification.
Comment: The HOXA13 c.566A>G variant is predicted to result in the amino acid substitution p.Asn189Ser. To our knowledge, this variant has not been reported in the literature. This variant is reported in 0.0010% of alleles in individuals of European (Non-Finnish) descent in gnomAD. At this time, the clinical significance of this variant is uncertain due to the absence of conclusive functional and genetic evidence.